The following is an entry in ClinVar:

NM_006343.3(MERTK):c.2947G>A (p.Asp983Asn)

Gene: MERTK (MER proto-oncogene, tyrosine kinase; plus strand). Cytogenetic location: 2q13.
Variant type: single nucleotide variant.
Coding change: c.2947G>A on transcript NM_006343.3 (MANE Select); coding-DNA position 2947, G replaced by A.
Protein change: p.Asp983Asn; replaces aspartic acid 983 with asparagine.
Molecular consequence: missense variant.
Genome position (GRCh38, 1-based): chr2:112,028,811, G>A. VCF-style: chr2-112028811-G-A. GRCh37 (hg19) VCF-style: chr2-112786388-G-A.
Other names: short protein forms D983N.
Identifiers: ClinVar variation 1504094 (VCV001504094.7), dbSNP rs781065147, ClinGen allele CA1832001.

ClinVar aggregate classification (germline): Conflicting classifications of pathogenicity. Review status: criteria provided, conflicting classifications (1 of 4 stars). 3 submissions from 3 submitters: Uncertain significance (2); Likely benign (1). Last evaluated 2024-11-14.

Allele frequency attached by ClinVar (database versions not stated): gnomAD 0.00010 and 0.00011; ExAC 0.00013; gnomAD exomes 0.00013 and 0.00014; TOPMed 0.00014.
gnomAD v4.1: 207 of 1,613,936 alleles (0.013%); highest among the groups gnomAD compares: Admixed American, 0.057%; no homozygotes.

Submissions (3):

Blueprint Genetics
Classification: Likely benign. Last evaluated: 2024-11-14. Review status: criteria provided, single submitter. Criteria: ACMG Guidelines, 2015. Collection method: clinical testing. Allele origin: germline.

Labcorp Genetics (formerly Invitae), Labcorp
Classification: Uncertain significance. Last evaluated: 2022-09-19. Review status: criteria provided, single submitter. Criteria: Invitae Variant Classification Sherloc (09022015). Collection method: clinical testing. Allele origin: germline.
Comment: This sequence change replaces aspartic acid, which is acidic and polar, with asparagine, which is neutral and polar, at codon 983 of the MERTK protein (p.Asp983Asn). This variant is present in population databases (rs781065147, gnomAD 0.07%). This variant has not been reported in the literature in individuals affected with MERTK-related conditions. ClinVar contains an entry for this variant (Variation ID: 1504094). Advanced modeling of protein sequence and biophysical properties (such as structural, functional, and spatial information, amino acid conservation, physicochemical variation, residue mobility, and thermodynamic stability) has been performed at Invitae for this missense variant, however the output from this modeling did not meet the statistical confidence thresholds required to predict the impact of this variant on MERTK protein function. In summary, the available evidence is currently insufficient to determine the role of this variant in disease. Therefore, it has been classified as a Variant of Uncertain Significance.

Breakthrough Genomics
Classification: Uncertain significance. Review status: criteria provided, single submitter. Criteria: ACMG Guidelines, 2015. Collection method: not provided. Allele origin: germline. Inheritance: Autosomal recessive inheritance. Affected: yes.